The following is an entry in ClinVar:

NM_001130144.3(LTBP3):c.2198G>T (p.Gly733Val)

Genes: LTBP3 (latent transforming growth factor beta binding protein 3; minus strand), LOC130006030 (ATAC-STARR-seq lymphoblastoid silent region 3533; plus strand). Cytogenetic location: 11q13.1.
Variant type: single nucleotide variant.
Coding change: c.2198G>T on transcript NM_001130144.3 (MANE Select); coding-DNA position 2198, G replaced by T.
Protein change: p.Gly733Val; replaces glycine 733 with valine.
Molecular consequence: missense variant.
Genome position (GRCh38, 1-based): chr11:65,546,830, C>A on the plus strand (G>T on the coding strand, the complement: LTBP3 is on the minus strand). VCF-style: chr11-65546830-C-A. GRCh37 (hg19) VCF-style: chr11-65314301-C-A.
Other names: c.1847G>T, p.Gly616Val (NM_001164266.1); c.2198G>T, p.Gly733Val (NM_021070.4); short protein forms G616V, G733V.
Identifiers: ClinVar variation 3692588 (VCV003692588.2).

ClinVar aggregate classification (germline): Uncertain significance (1 of 4 stars; one submission).

Conditions:
Brachyolmia-amelogenesis imperfecta syndrome. Also called: PLATYSPONDYLY WITH AMELOGENESIS IMPERFECTA; Tooth agenesis, selective, 6; Dental anomalies and short stature. Identifiers: Orphanet 2899, MedGen C1832594, MONDO:0011018, OMIM 601216. Disease mechanism: loss of function.

Submission:

Labcorp Genetics (formerly Invitae), Labcorp
Classification: Uncertain significance for Brachyolmia-amelogenesis imperfecta syndrome. Last evaluated: 2024-12-07. Review status: criteria provided, single submitter. Criteria: Invitae Variant Classification Sherloc (09022015). Collection method: clinical testing. Allele origin: germline.
Comment: This sequence change replaces glycine, which is neutral and non-polar, with valine, which is neutral and non-polar, at codon 733 of the LTBP3 protein (p.Gly733Val). This variant is not present in population databases (gnomAD no frequency). This variant has not been reported in the literature in individuals affected with LTBP3-related conditions. An algorithm developed to predict the effect of missense changes on protein structure and function (PolyPhen-2) suggests that this variant is likely to be disruptive. In summary, the available evidence is currently insufficient to determine the role of this variant in disease. Therefore, it has been classified as a Variant of Uncertain Significance.